The following is an entry in ClinVar:

NM_000199.5(SGSH):c.1135G>A (p.Val379Met)

Gene: SGSH (N-sulfoglucosamine sulfohydrolase; minus strand). Cytogenetic location: 17q25.3.
Variant type: single nucleotide variant.
Coding change: c.1135G>A on transcript NM_000199.5 (MANE Select); coding-DNA position 1135, G replaced by A.
Protein change: p.Val379Met; replaces valine 379 with methionine.
Molecular consequence: missense variant. On other transcripts: 3 prime UTR variant (2), non-coding transcript variant (1).
Genome position (GRCh38, 1-based): chr17:80,210,826, C>T on the plus strand (G>A on the coding strand, the complement: SGSH is on the minus strand). VCF-style: chr17-80210826-C-T. GRCh37 (hg19) VCF-style: chr17-78184625-C-T.
Other names: c.*222G>A (NM_001352921.3); c.*185G>A (NM_001352922.2); short protein forms V379M.
Identifiers: ClinVar variation 289150 (VCV000289150.9), dbSNP rs541847913, ClinGen allele CA8817665.
Genomic context (GRCh38, chr17:80,210,826, plus strand): 5'-CGATGGGAAAGGGCATCTTGAAGTTGAGGTTGTGCACGAGGCGGAAGTGCCGGTGCTGCA[C>T]GGAGCGCATGGGGTAGGACATGGTGACCTCGTGGTGGCTCTGGCTGCCAAAGACGGTGGC-3'
Protein context (NP_000190.1, residues 369-389): EVTMSYPMRS[Val379Met]QHRHFRLVHN

ClinVar aggregate classification (germline): Uncertain significance. Review status: criteria provided, multiple submitters, no conflicts (2 of 4 stars). 3 submissions from 3 submitters: Uncertain significance (3). Last evaluated 2024-11-27.

Conditions:
Mucopolysaccharidosis, MPS-III-A (MPS3A). Also called: MUCOPOLYSACCHARIDOSIS, TYPE IIIA, ATTENUATED; Mucopolysaccharidosis type IIIA (Sanfilippo A); mucopolysaccharidosis type 3A; MPS IIIA (Sanfilippo Syndrome Type A); MPS III A; HEPARAN SULFATE SULFATASE DEFICIENCY. Identifiers: Orphanet 581, Orphanet 79269, MedGen C0086647, MONDO:0009655, OMIM 252900.

Allele frequency attached by ClinVar (database versions not stated): gnomAD exomes 0.00001 and 0.00004; gnomAD 0.00005 and 0.00004; 1000 Genomes Project 30x 0.00016; 1000 Genomes Project 0.00020; TOPMed 0.00004; ExAC 0.00005.
gnomAD v4.1: 29 of 1,613,978 alleles (0.0018%); highest among the groups gnomAD compares: African/African-American, 0.008%; no homozygotes.

Submissions (3):

Labcorp Genetics (formerly Invitae), Labcorp
Classification: Uncertain significance for Mucopolysaccharidosis, MPS-III-A. Last evaluated: 2024-11-27. Review status: criteria provided, single submitter. Criteria: Invitae Variant Classification Sherloc (09022015). Collection method: clinical testing. Allele origin: germline.
Comment: This sequence change replaces valine, which is neutral and non-polar, with methionine, which is neutral and non-polar, at codon 379 of the SGSH protein (p.Val379Met). This variant is present in population databases (rs541847913, gnomAD 0.01%). This variant has not been reported in the literature in individuals affected with SGSH-related conditions. ClinVar contains an entry for this variant (Variation ID: 289150). Invitae Evidence Modeling of protein sequence and biophysical properties (such as structural, functional, and spatial information, amino acid conservation, physicochemical variation, residue mobility, and thermodynamic stability) indicates that this missense variant is not expected to disrupt SGSH protein function with a negative predictive value of 80%. In summary, the available evidence is currently insufficient to determine the role of this variant in disease. Therefore, it has been classified as a Variant of Uncertain Significance.

Genome-Nilou Lab
Classification: Uncertain significance for Mucopolysaccharidosis, MPS-III-A. Last evaluated: 2021-11-07. Review status: criteria provided, single submitter. Criteria: ACMG Guidelines, 2015. Collection method: clinical testing. Allele origin: germline. Affected: no.

Eurofins Ntd Llc (ga)
Classification: Uncertain significance. Last evaluated: 2016-06-28. Review status: criteria provided, single submitter. Criteria: EGL Classification Definitions 2015. Collection method: clinical testing. Allele origin: germline. Observed: 1 variant allele, 1 heterozygote.